The following is an entry in ClinVar:

NM_170606.3(KMT2C):c.1607C>A (p.Ala536Asp)

Gene: KMT2C (lysine methyltransferase 2C; minus strand). Cytogenetic location: 7q36.1.
Variant type: single nucleotide variant.
Coding change: c.1607C>A on transcript NM_170606.3 (MANE Select); coding-DNA position 1607, C replaced by A.
Protein change: p.Ala536Asp; replaces alanine 536 with aspartic acid.
Molecular consequence: missense variant.
Genome position (GRCh38, 1-based): chr7:152,251,953, G>T on the plus strand (C>A on the coding strand, the complement: KMT2C is on the minus strand). VCF-style: chr7-152251953-G-T. GRCh37 (hg19) VCF-style: chr7-151949038-G-T.
Other names: short protein forms A536D.
Identifiers: ClinVar variation 1721664 (VCV001721664.5), dbSNP rs2129166534, ClinGen allele CA370086378.

ClinVar aggregate classification (germline): Uncertain significance (1 of 4 stars; one submission).

Submission:

Labcorp Genetics (formerly Invitae), Labcorp
Classification: Uncertain significance. Last evaluated: 2022-10-23. Review status: criteria provided, single submitter. Criteria: Invitae Variant Classification Sherloc (09022015). Collection method: clinical testing. Allele origin: germline.
Comment: This sequence change replaces alanine, which is neutral and non-polar, with aspartic acid, which is acidic and polar, at codon 536 of the KMT2C protein (p.Ala536Asp). This variant is not present in population databases (gnomAD no frequency). This variant has not been reported in the literature in individuals affected with KMT2C-related conditions. Advanced modeling of protein sequence and biophysical properties (such as structural, functional, and spatial information, amino acid conservation, physicochemical variation, residue mobility, and thermodynamic stability) performed at Invitae indicates that this missense variant is not expected to disrupt KMT2C protein function. In summary, the available evidence is currently insufficient to determine the role of this variant in disease. Therefore, it has been classified as a Variant of Uncertain Significance.